The following is an entry in ClinVar:

ClinVar aggregate classification (germline): Conflicting classifications of pathogenicity. Review status: criteria provided, conflicting classifications (1 of 4 stars). 9 submissions from 9 submitters: Uncertain significance (5); Benign (1); Likely benign (3). Last evaluated 2026-09-22.

Conditions:
Inherited breast cancer and ovarian cancer.
Hereditary cancer-predisposing syndrome. Also called: Hereditary Cancer Syndrome; Tumor predisposition; Hereditary neoplastic syndrome; Neoplastic Syndromes, Hereditary. Identifiers: Orphanet 140162, MedGen C0027672, MeSH D009386, MONDO:0015356.
Breast and/or ovarian cancer. Identifiers: MedGen CN221562.
Ovarian cancer. Also called: OVARIAN CANCER, SOMATIC. Identifiers: Orphanet 213500, MedGen C1140680, MONDO:0008170, OMIM 167000.
Hereditary breast ovarian cancer syndrome. Also called: Hereditary breast and ovarian cancer syndrome; Hereditary breast and ovarian cancer; Hereditary breast and ovarian cancer syndrome (HBOC); Hereditary breast and/or ovarian cancer syndrome; Breast and ovarian cancer; BRCA1- and BRCA2-Associated Hereditary Breast and Ovarian Cancer. Identifiers: Orphanet 145, MedGen C0677776, MeSH D061325, MONDO:0003582. Disease mechanism: loss of function.
Familial cancer of breast. Also called: Hereditary breast cancer; BREAST CANCER, FAMILIAL; hereditary breast carcinoma. Identifiers: Orphanet 227535, MedGen C0346153, MONDO:0016419, OMIM 114480. Disease mechanism: loss of function.

Allele frequency attached by ClinVar (database versions not stated): gnomAD exomes below 0.00001.
gnomAD v4.1: 1 of 1,613,858 alleles (0.000062%); highest among the groups gnomAD compares: Non-Finnish European, 0.000085%; no homozygotes.

Submissions (9):

Cambridge Genomics Laboratory, East Genomic Laboratory Hub, NHS Genomic Medicine Service
Classification: Likely benign for Inherited breast cancer and ovarian cancer. Last evaluated: 2026-09-22. Review status: criteria provided, single submitter. Criteria: ACGS Best Practice Guidelines for Variant Classification in Rare Disease 2020. Collection method: clinical testing. Allele origin: germline. Affected: yes.
Comment: PM2_Supporting,BP1_Strong,BP4

CeGaT Center for Human Genetics Tuebingen
Classification: Uncertain significance. Last evaluated: 2024-09-01. Review status: criteria provided, single submitter. Criteria: CeGaT Center For Human Genetics Tuebingen Variant Classification Criteria Version 2. Collection method: clinical testing. Allele origin: germline. Affected: yes. Observed: 1 variant allele.
Comment: BRCA2: PS4:Moderate, PM2:Supporting, BP1, BP4

MGZ Medical Genetics Center
Classification: Likely benign for Familial cancer of breast. Last evaluated: 2024-02-09. Review status: criteria provided, single submitter. Criteria: CSpec BRCA1/2ACMG Rules Specifications V1.1.0. Collection method: clinical testing. Allele origin: germline. Affected: yes.
Comment: ACMG codes applied following ENIGMA VCEP rules: BP1_STR, PM2_SUP

Ambry Genetics
Classification: Uncertain significance for Hereditary cancer-predisposing syndrome. Last evaluated: 2023-08-31. Review status: criteria provided, single submitter. Criteria: Ambry Variant Classification Scheme 2023. Collection method: clinical testing. Allele origin: germline.
Comment: The p.T1954A variant (also known as c.5860A>G), located in coding exon 10 of the BRCA2 gene, results from an A to G substitution at nucleotide position 5860. The threonine at codon 1954 is replaced by alanine, an amino acid with similar properties. This alteration was seen in 1/732 breast cancer patients, 0/189 colorectal cancer patients and 0/490 cancer-free elderly controls in a Turkish population (Akcay IM et al. Int J Cancer, 2021 Jan;148:285-295). This amino acid position is not well conserved in available vertebrate species. In addition, this alteration is predicted to be tolerated by in silico analysis. Since supporting evidence is limited at this time, the clinical significance of this alteration remains unclear.

Quest Diagnostics Nichols Institute San Juan Capistrano
Classification: Uncertain significance. Last evaluated: 2023-07-14. Review status: criteria provided, single submitter. Criteria: Quest Diagnostics criteria. Collection method: clinical testing. Allele origin: unknown.
Comment: In the published literature, this variant has been reported in individual(s) with breast cancer (PMID: 33471991 (2021), ) and an individual with high-grade serous ovarian cancer (PMID: 36000185 (2022)). This variant has been reported to be located in a region of the BRCA2 gene that is tolerant to missense sequence changes (PMID: 31911673 (2020)). This variant has not been reported in large, multi-ethnic general populations (Genome Aggregation Database). Analysis of this variant using bioinformatics tools for the prediction of the effect of amino acid changes on protein structure and function yielded predictions that this variant is benign. Based on the available information, we are unable to determine the clinical significance of this variant.

University of Washington Department of Laboratory Medicine, University of Washington
Classification: Likely benign for Hereditary cancer-predisposing syndrome. Last evaluated: 2023-03-23. Review status: criteria provided, single submitter. Criteria: Dines et al. (Genet Med. 2020). Collection method: curation. Allele origin: germline.
Comment: Missense variant in a coldspot region where missense variants are very unlikely to be pathogenic (PMID:31911673).

BRCA2 exon 11 coldspot. Reclassification based on statistical prior probability.

Labcorp Genetics (formerly Invitae), Labcorp
Classification: Uncertain significance for Hereditary breast ovarian cancer syndrome. Last evaluated: 2022-01-11. Review status: criteria provided, single submitter. Criteria: Invitae Variant Classification Sherloc (09022015). Collection method: clinical testing. Allele origin: germline.
Comment: This sequence change replaces threonine, which is neutral and polar, with alanine, which is neutral and non-polar, at codon 1954 of the BRCA2 protein (p.Thr1954Ala). This variant is not present in population databases (gnomAD no frequency). This variant has not been reported in the literature in individuals affected with BRCA2-related conditions. ClinVar contains an entry for this variant (Variation ID: 626899). Advanced modeling of protein sequence and biophysical properties (such as structural, functional, and spatial information, amino acid conservation, physicochemical variation, residue mobility, and thermodynamic stability) performed at Invitae indicates that this missense variant is not expected to disrupt BRCA2 protein function. In summary, the available evidence is currently insufficient to determine the role of this variant in disease. Therefore, it has been classified as a Variant of Uncertain Significance.

Laboratory of Molecular Epidemiology of Birth Defects, West China Second University Hospital, Sichuan University
Classification: Benign for Ovarian cancer. Last evaluated: 2022-01-01. Review status: criteria provided, single submitter. Criteria: ACMG Guidelines, 2015. Collection method: clinical testing. Allele origin: germline. Affected: yes.

CHEO Genetics Diagnostic Laboratory, Children's Hospital of Eastern Ontario
Classification: Uncertain significance for Breast and/or ovarian cancer. Last evaluated: 2017-07-18. Review status: criteria provided, single submitter. Criteria: ACMG Guidelines, 2015. Collection method: clinical testing. Allele origin: germline. Study: Canadian Open Genetics Repository.

Literature cited by the submitters: PubMed 32658311 (cited by Ambry Genetics); PubMed 31911673 (cited by Quest Diagnostics Nichols Institute San Juan Capistrano); PubMed 33471991 (cited by Quest Diagnostics Nichols Institute San Juan Capistrano); PubMed 36000185 (cited by Quest Diagnostics Nichols Institute San Juan Capistrano).

NM_000059.4(BRCA2):c.5860A>G (p.Thr1954Ala)

Gene: BRCA2 (BRCA2 DNA repair associated; plus strand). Cytogenetic location: 13q13.1.
Variant type: single nucleotide variant.
Coding change: c.5860A>G on transcript NM_000059.4 (MANE Select); coding-DNA position 5860, A replaced by G.
Protein change: p.Thr1954Ala; replaces threonine 1954 with alanine.
Molecular consequence: missense variant.
Genome position (GRCh38, 1-based): chr13:32,340,215, A>G. VCF-style: chr13-32340215-A-G. GRCh37 (hg19) VCF-style: chr13-32914352-A-G.
Other names: short protein forms T1954A.
Identifiers: ClinVar variation 626899 (VCV000626899.29), dbSNP rs1566233345, ClinGen allele CA387787418.
Genomic context (GRCh38, chr13:32,340,215, plus strand): 5'-CAAAATATGTCTGGATTGGAGAAAGTTTCTAAAATATCACCTTGTGATGTTAGTTTGGAA[A>G]CTTCAGATATATGTAAATGTAGTATAGGGAAGCTTCATAAGTCAGTCTCATCTGCAAATA-3'
Protein context (NP_000050.3, residues 1944-1964): KISPCDVSLE[Thr1954Ala]SDICKCSIGK